The following is an entry in ClinVar:

ClinVar aggregate classification (germline): Uncertain significance (1 of 4 stars; one submission).

Conditions:
Brugada syndrome 8 (BRGDA8). Identifiers: Orphanet 130, MedGen C2751083, MONDO:0013148, OMIM 613123.

Submission:

Labcorp Genetics (formerly Invitae), Labcorp
Classification: Uncertain significance for Brugada syndrome 8. Last evaluated: 2022-11-04. Review status: criteria provided, single submitter. Criteria: Invitae Variant Classification Sherloc (09022015). Collection method: clinical testing. Allele origin: germline.
Comment: In summary, the available evidence is currently insufficient to determine the role of this variant in disease. Therefore, it has been classified as a Variant of Uncertain Significance. Advanced modeling of protein sequence and biophysical properties (such as structural, functional, and spatial information, amino acid conservation, physicochemical variation, residue mobility, and thermodynamic stability) performed at Invitae indicates that this missense variant is not expected to disrupt HCN4 protein function. This variant has not been reported in the literature in individuals affected with HCN4-related conditions. This variant is not present in population databases (gnomAD no frequency). This sequence change replaces methionine, which is neutral and non-polar, with leucine, which is neutral and non-polar, at codon 538 of the HCN4 protein (p.Met538Leu).

NM_005477.3(HCN4):c.1612A>C (p.Met538Leu)

Gene: HCN4 (hyperpolarization activated cyclic nucleotide gated potassium channel 4; minus strand). Cytogenetic location: 15q24.1.
Variant type: single nucleotide variant.
Coding change: c.1612A>C on transcript NM_005477.3 (MANE Select); coding-DNA position 1612, A replaced by C.
Protein change: p.Met538Leu; replaces methionine 538 with leucine.
Molecular consequence: missense variant.
Genome position (GRCh38, 1-based): chr15:73,325,423, T>G on the plus strand (A>C on the coding strand, the complement: HCN4 is on the minus strand). VCF-style: chr15-73325423-T-G. GRCh37 (hg19) VCF-style: chr15-73617764-T-G.
Other names: short protein forms M538L.
Identifiers: ClinVar variation 2784843 (VCV002784843.3), dbSNP rs375571257, ClinGen allele CA393092136.